The following is an entry in ClinVar:

NM_001267550.2(TTN):c.62446C>G (p.Pro20816Ala)

Genes: TTN (titin; minus strand), TTN-AS1 (TTN antisense RNA 1; plus strand). Cytogenetic location: 2q31.2.
Variant type: single nucleotide variant.
Coding change: c.62446C>G on transcript NM_001267550.2 (MANE Select); coding-DNA position 62446, C replaced by G.
Protein change: p.Pro20816Ala; replaces proline 20816 with alanine.
Molecular consequence: missense variant.
Genome position (GRCh38, 1-based): chr2:178,589,279, G>C on the plus strand (C>G on the coding strand, the complement: TTN is on the minus strand). VCF-style: chr2-178589279-G-C. GRCh37 (hg19) VCF-style: chr2-179454006-G-C.
Other names: c.57523C>G, p.Pro19175Ala (NM_001256850.1); c.35251C>G, p.Pro11751Ala (NM_003319.4); c.54742C>G, p.Pro18248Ala (NM_133378.4); c.35626C>G, p.Pro11876Ala (NM_133432.3); c.35827C>G, p.Pro11943Ala (NM_133437.4); short protein forms P11751A, P11876A, P11943A, P18248A, P19175A, P20816A.
Identifiers: ClinVar variation 4536556 (VCV004536556.1).

ClinVar aggregate classification (germline): Uncertain significance (1 of 4 stars; one submission).

Submission:

GeneDx
Classification: Uncertain significance. Last evaluated: 2025-06-05. Review status: criteria provided, single submitter. Criteria: GeneDx Variant Classification Process June 2021. Collection method: clinical testing. Allele origin: germline. Affected: yes.
Comment: Not observed at significant frequency in large population cohorts (gnomAD); Missense variant in a gene in which most reported pathogenic variants are truncating/loss of function; Has not been previously published as pathogenic or benign to our knowledge